The following is an entry in ClinVar:

NM_001384125.1(BLTP1):c.12301G>A (p.Gly4101Arg)

Gene: BLTP1 (bridge-like lipid transfer protein family member 1; plus strand). Cytogenetic location: 4q27.
Variant type: single nucleotide variant.
Coding change: c.12301G>A on transcript NM_001384125.1 (MANE Select); coding-DNA position 12301, G replaced by A.
Protein change: p.Gly4101Arg; replaces glycine 4101 with arginine.
Molecular consequence: missense variant.
Genome position (GRCh38, 1-based): chr4:122,336,907, G>A. VCF-style: chr4-122336907-G-A. GRCh37 (hg19) VCF-style: chr4-123258062-G-A.
Other names: c.12037G>A, p.Gly4013Arg (NM_015312.4); short protein forms G4013R, G4101R.
Identifiers: ClinVar variation 3770744 (VCV003770744.13).

ClinVar aggregate classification (germline): Uncertain significance (1 of 4 stars; one submission).

gnomAD v4.1: 120 of 1,607,314 alleles (0.0075%); highest among the groups gnomAD compares: South Asian, 0.052%; no homozygotes.

Submission:

CeGaT Center for Human Genetics Tuebingen
Classification: Uncertain significance. Last evaluated: 2025-01-01. Review status: criteria provided, single submitter. Criteria: CeGaT Center For Human Genetics Tuebingen Variant Classification Criteria Version 2. Collection method: clinical testing. Allele origin: germline. Affected: yes. Observed: 1 variant allele.
Comment: BLTP1: PM2, PP2